The following is an entry in ClinVar:

ClinVar aggregate classification (germline): Uncertain significance. Review status: criteria provided, multiple submitters, no conflicts (2 of 4 stars). 2 submissions from 2 submitters: Uncertain significance (2). Last evaluated 2025-12-08.

Conditions:
Hereditary cancer-predisposing syndrome. Also called: Tumor predisposition; Hereditary Cancer Syndrome; Hereditary neoplastic syndrome; Neoplastic Syndromes, Hereditary. Identifiers: Orphanet 140162, MedGen C0027672, MeSH D009386, MONDO:0015356.
POLD1-related polyposis and colorectal cancer syndrome (CRCS10). Also called: Colorectal cancer 10; COLORECTAL CANCER, SUSCEPTIBILITY TO, ON CHROMOSOME 19q; Colorectal cancer, susceptibility to, 10. Identifiers: Orphanet 220460, MedGen C2675481, MONDO:0012953, OMIM 612591.

Allele frequency attached by ClinVar (database versions not stated): gnomAD exomes below 0.00001.

Submissions (2):

Labcorp Genetics (formerly Invitae), Labcorp
Classification: Uncertain significance for POLD1-related polyposis and colorectal cancer syndrome. Last evaluated: 2025-12-08. Review status: criteria provided, single submitter. Criteria: Invitae Variant Classification Sherloc (09022015). Collection method: clinical testing. Allele origin: germline.
Comment: This sequence change replaces glutamine, which is neutral and polar, with glutamic acid, which is acidic and polar, at codon 558 of the POLD1 protein (p.Gln558Glu). This variant is not present in population databases (gnomAD no frequency). This variant has not been reported in the literature in individuals affected with POLD1-related conditions. ClinVar contains an entry for this variant (Variation ID: 1005585). Invitae Evidence Modeling of protein sequence and biophysical properties (such as structural, functional, and spatial information, amino acid conservation, physicochemical variation, residue mobility, and thermodynamic stability) indicates that this missense variant is expected to disrupt POLD1 protein function with a positive predictive value of 80%. In summary, the available evidence is currently insufficient to determine the role of this variant in disease. Therefore, it has been classified as a Variant of Uncertain Significance.

Ambry Genetics
Classification: Uncertain significance for Hereditary cancer-predisposing syndrome. Last evaluated: 2024-10-25. Review status: criteria provided, single submitter. Criteria: Ambry Variant Classification Scheme 2023. Collection method: clinical testing. Allele origin: germline.
Comment: The p.Q558E variant (also known as c.1672C>G), located in coding exon 12 of the POLD1 gene, results from a C to G substitution at nucleotide position 1672. The glutamine at codon 558 is replaced by glutamic acid, an amino acid with highly similar properties. This amino acid position is conserved. In addition, the in silico prediction for this alteration is inconclusive. Based on the available evidence, the clinical significance of this variant remains unclear.

NM_002691.4(POLD1):c.1672C>G (p.Gln558Glu)

Gene: POLD1 (DNA polymerase delta 1, catalytic subunit; plus strand). Cytogenetic location: 19q13.33.
Variant type: single nucleotide variant.
Coding change: c.1672C>G on transcript NM_002691.4 (MANE Select); coding-DNA position 1672, C replaced by G.
Protein change: p.Gln558Glu; replaces glutamine 558 with glutamic acid.
Molecular consequence: missense variant. On other transcripts: non-coding transcript variant (1).
Genome position (GRCh38, 1-based): chr19:50,407,160, C>G. VCF-style: chr19-50407160-C-G. GRCh37 (hg19) VCF-style: chr19-50910417-C-G.
Other names: c.1672C>G, p.Gln558Glu (NM_001256849.1, NM_001308632.1); c.1672C>G (NM_002691.2); short protein forms Q558E.
Identifiers: ClinVar variation 1005585 (VCV001005585.10), dbSNP rs2038924448, ClinGen allele CA406981098.